The following is an entry in ClinVar:

ClinVar aggregate classification (germline): Uncertain significance. Review status: criteria provided, multiple submitters, no conflicts (2 of 4 stars). 2 submissions from 2 submitters: Uncertain significance (2). Last evaluated 2026-07-02.

Conditions:
Deafness-lymphedema-leukemia syndrome. Also called: Emberger syndrome; Lymphedema, primary, with myelodysplasia. Identifiers: Orphanet 3226, MedGen C3279664, MONDO:0013540, OMIM 614038.
Monocytopenia with susceptibility to infections. Also called: MONOCYTOPENIA AND MYCOBACTERIAL INFECTION SYNDROME; MONOCYTOPENIA WITH SUSCEPTIBILITY TO MYCOBACTERIAL, FUNGAL, AND PAPILLOMAVIRUS INFECTIONS AND MYELODYSPLASIA; COMBINED IMMUNODEFICIENCY WITH SUSCEPTIBILITY TO MYCOBACTERIAL, VIRAL, AND FUNGAL INFECTIONS; Dendritic cell, monocyte, B lymphocyte, and natural killer lymphocyte deficiency; GATA2 DEFICIENCY; IMMUNODEFICIENCY 21. Identifiers: Orphanet 228423, MedGen C3280030, MONDO:0013607, OMIM 614172.
Inborn genetic diseases. Identifiers: MedGen C0950123, MeSH D030342.

Submissions (2):

Ambry Genetics
Classification: Uncertain significance for Inborn genetic diseases. Last evaluated: 2026-07-02. Review status: criteria provided, single submitter. Criteria: Ambry Variant Classification Scheme 2023. Collection method: clinical testing. Allele origin: germline.
Comment: The p.S73G variant (also known as c.217A>G), located in coding exon 1 of the GATA2 gene, results from an A to G substitution at nucleotide position 217. The serine at codon 73 is replaced by glycine, an amino acid with similar properties. This amino acid position is conserved. In addition, the in silico prediction for this alteration is inconclusive. Based on the available evidence, the clinical significance of this variant remains unclear.

Labcorp Genetics (formerly Invitae), Labcorp
Classification: Uncertain significance for Monocytopenia with susceptibility to infections; Deafness-lymphedema-leukemia syndrome. Last evaluated: 2023-08-28. Review status: criteria provided, single submitter. Criteria: Invitae Variant Classification Sherloc (09022015). Collection method: clinical testing. Allele origin: germline.
Comment: In summary, the available evidence is currently insufficient to determine the role of this variant in disease. Therefore, it has been classified as a Variant of Uncertain Significance. Advanced modeling of protein sequence and biophysical properties (such as structural, functional, and spatial information, amino acid conservation, physicochemical variation, residue mobility, and thermodynamic stability) performed at Invitae indicates that this missense variant is not expected to disrupt GATA2 protein function. This variant has not been reported in the literature in individuals affected with GATA2-related conditions. This variant is not present in population databases (gnomAD no frequency). This sequence change replaces serine, which is neutral and polar, with glycine, which is neutral and non-polar, at codon 73 of the GATA2 protein (p.Ser73Gly).

NM_032638.5(GATA2):c.217A>G (p.Ser73Gly)

Gene: GATA2 (GATA binding protein 2; minus strand). Cytogenetic location: 3q21.3.
Variant type: single nucleotide variant.
Coding change: c.217A>G on transcript NM_032638.5 (MANE Select); coding-DNA position 217, A replaced by G.
Protein change: p.Ser73Gly; replaces serine 73 with glycine.
Molecular consequence: missense variant.
Genome position (GRCh38, 1-based): chr3:128,486,815, T>C on the plus strand (A>G on the coding strand, the complement: GATA2 is on the minus strand). VCF-style: chr3-128486815-T-C. GRCh37 (hg19) VCF-style: chr3-128205658-T-C.
Other names: c.217A>G, p.Ser73Gly (NM_001145661.2, NM_001145662.1); short protein forms S73G.
Identifiers: ClinVar variation 2945153 (VCV002945153.4), dbSNP rs2472934098, ClinGen allele CA354408218.